The following is an entry in ClinVar:

NM_014233.4(UBTF):c.166G>T (p.Glu56Ter)

Genes: ATXN7L3-AS1 (ATXN7L3 antisense RNA 1; plus strand), UBTF (upstream binding transcription factor; minus strand). Cytogenetic location: 17q21.31.
Variant type: single nucleotide variant.
Coding change: c.166G>T on transcript NM_014233.4 (MANE Select); coding-DNA position 166, G replaced by T.
Protein change: p.Glu56Ter; replaces glutamic acid 56 with a stop codon.
Molecular consequence: nonsense. On other transcripts: non-coding transcript variant (1).
Genome position (GRCh38, 1-based): chr17:44,216,597, C>A on the plus strand (G>T on the coding strand, the complement: UBTF is on the minus strand). VCF-style: chr17-44216597-C-A. GRCh37 (hg19) VCF-style: chr17-42293965-C-A.
Other names: c.166G>T, p.Glu56Ter (NM_001076683.2, NM_001076684.3); short protein forms E56*.
Identifiers: ClinVar variation 1303938 (VCV001303938.2), dbSNP rs2144552289, ClinGen allele CA399769338.

ClinVar aggregate classification (germline): Uncertain significance (1 of 4 stars; one submission).

Submission:

GeneDx
Classification: Uncertain significance. Last evaluated: 2020-03-07. Review status: criteria provided, single submitter. Criteria: GeneDx Variant Classification Process June 2021. Collection method: clinical testing. Allele origin: germline. Affected: yes.
Comment: Not observed in large population cohorts (Lek et al., 2016); Nonsense variant predicted to result in protein truncation or nonsense mediated decay in a gene for which loss-of-function is not a known mechanism of disease; Has not been previously published as pathogenic or benign to our knowledge